The following is an entry in ClinVar:

ClinVar aggregate classification (germline): Uncertain significance (1 of 4 stars; one submission).

Allele frequency attached by ClinVar (database versions not stated): gnomAD exomes below 0.00001.
gnomAD v4.1: 1 of 1,205,489 alleles (0.000083%); highest among the groups gnomAD compares: Non-Finnish European, 0.00011%; no homozygotes.

Submission:

Labcorp Genetics (formerly Invitae), Labcorp
Classification: Uncertain significance. Last evaluated: 2024-08-14. Review status: criteria provided, single submitter. Criteria: Invitae Variant Classification Sherloc (09022015). Collection method: clinical testing. Allele origin: germline.
Comment: This sequence change replaces aspartic acid, which is acidic and polar, with glutamic acid, which is acidic and polar, at codon 1606 of the USP9X protein (p.Asp1606Glu). This variant is not present in population databases (gnomAD no frequency). This variant has not been reported in the literature in individuals affected with USP9X-related conditions. An algorithm developed to predict the effect of missense changes on protein structure and function (PolyPhen-2) suggests that this variant is likely to be tolerated. In summary, the available evidence is currently insufficient to determine the role of this variant in disease. Therefore, it has been classified as a Variant of Uncertain Significance.

NM_001039591.3(USP9X):c.4818C>G (p.Asp1606Glu)

Gene: USP9X (ubiquitin specific peptidase 9 X-linked; plus strand). Cytogenetic location: Xp11.4.
Variant type: single nucleotide variant.
Coding change: c.4818C>G on transcript NM_001039591.3 (MANE Select); coding-DNA position 4818, C replaced by G.
Protein change: p.Asp1606Glu; replaces aspartic acid 1606 with glutamic acid.
Molecular consequence: missense variant.
Genome position (GRCh38, 1-based): chrX:41,201,274, C>G. VCF-style: chrX-41201274-C-G. GRCh37 (hg19) VCF-style: chrX-41060527-C-G.
Other names: c.4833C>G, p.Asp1611Glu (NM_001410748.1, NM_001410749.1); c.4818C>G, p.Asp1606Glu (NM_001039590.3); short protein forms D1611E, D1606E.
Identifiers: ClinVar variation 2786163 (VCV002786163.3), dbSNP rs2063039300, ClinGen allele CA412779914.